The following is an entry in ClinVar:

ClinVar aggregate classification (germline): Likely pathogenic (1 of 4 stars; one submission).

Conditions:
X-linked severe combined immunodeficiency (SCIDX1). Also called: IMMUNODEFICIENCY 4; SCID, X-LINKED; SEVERE COMBINED IMMUNODEFICIENCY, X-LINKED, T CELL-NEGATIVE, B CELL-POSITIVE, NK CELL-NEGATIVE; X-Linked Combined Immunodeficiency Diseases; T-B+ severe combined immunodeficiency due to gamma chain deficiency. Identifiers: Orphanet 276, MedGen C6022468, MONDO:0010315, OMIM 300400. Disease mechanism: loss of function.

Submission:

Labcorp Genetics (formerly Invitae), Labcorp
Classification: Likely pathogenic for X-linked severe combined immunodeficiency. Last evaluated: 2026-01-02. Review status: criteria provided, single submitter. Criteria: Invitae Variant Classification Sherloc (09022015). Collection method: clinical testing. Allele origin: germline.
Comment: This sequence change replaces serine, which is neutral and polar, with glycine, which is neutral and non-polar, at codon 225 of the IL2RG protein (p.Ser225Gly). This variant is not present in population databases (gnomAD no frequency). This variant has not been reported in the literature in individuals affected with IL2RG-related conditions. Invitae Evidence Modeling of protein sequence and biophysical properties (such as structural, functional, and spatial information, amino acid conservation, physicochemical variation, residue mobility, and thermodynamic stability) indicates that this missense variant is expected to disrupt IL2RG protein function with a positive predictive value of 95%. This variant disrupts the p.Ser225 amino acid residue in IL2RG. Other variant(s) that disrupt this residue have been determined to be pathogenic (PMID: 26547715, 32265911). This suggests that this residue is clinically significant, and that variants that disrupt this residue are likely to be disease-causing. In summary, the currently available evidence indicates that the variant is pathogenic, but additional data are needed to prove that conclusively. Therefore, this variant has been classified as Likely Pathogenic.

Literature cited by the submitters: PubMed 26547715; PubMed 32265911.

NM_000206.3(IL2RG):c.673A>G (p.Ser225Gly)

Gene: IL2RG (interleukin 2 receptor subunit gamma; minus strand). Cytogenetic location: Xq13.1.
Variant type: single nucleotide variant.
Coding change: c.673A>G on transcript NM_000206.3 (MANE Select); coding-DNA position 673, A replaced by G.
Protein change: p.Ser225Gly; replaces serine 225 with glycine.
Molecular consequence: missense variant.
Genome position (GRCh38, 1-based): chrX:71,109,312, T>C on the plus strand (A>G on the coding strand, the complement: IL2RG is on the minus strand). VCF-style: chrX-71109312-T-C. GRCh37 (hg19) VCF-style: chrX-70329162-T-C.
Other names: c.673A>G, p.Ser225Gly (NM_001438870.1); short protein forms S225G.
Identifiers: ClinVar variation 4709753 (VCV004709753.1).
Genomic context (GRCh38, chrX:71,109,312, plus strand): 5'-GGATTGGGTGGCTCCATTCACTCCAATGCTGAGCACTTCCACAGAGTGGGTTAAAGCGGC[T>C]CCGAACACGAAACGTGTAGCGTTTCTGCCCATCCACACTAGGCAAGGAGAACTTATGTCT-3'
Protein context (NP_000197.1, residues 215-235): GQKRYTFRVR[Ser225Gly]RFNPLCGSAQ